The following is an entry in ClinVar:

ClinVar aggregate classification (germline): Likely pathogenic. Review status: criteria provided, multiple submitters, no conflicts (2 of 4 stars). 2 submissions from 2 submitters: Likely pathogenic (2). Last evaluated 2025-07-02.

Conditions:
LPL-related disorder. Also called: LPL-related condition.

Submissions (2):

PreventionGenetics, part of Exact Sciences
Classification: Likely pathogenic for LPL-related condition. Last evaluated: 2025-07-02. Review status: criteria provided, single submitter. Criteria: ACMG Guidelines, 2015. Collection method: clinical testing. Allele origin: germline.
Comment: The LPL c.662T>A variant is predicted to result in the amino acid substitution p.Ile221Asn. This variant has been reported the compound heterozygous and homozygous states in individuals with familial chylomicronemia (Ariza et al. 2025. PubMed ID: 39873189; Patni et al. 2018. PubMed ID: 29454679). A different substitution of the same amino acid residue, p.Ile221Thr (aka p.Ile194Thr) has been reported in individuals with lipoprotein lipase deficiency and functional data suggest this variant negatively affects LPL activity (Henderson et al. 1991. PubMed ID: 1674945; Rodrigues et al. 2016. PubMed ID: 27055971; Rabacchi et al. 2015. PubMed ID: 25966443; Dichek et al. 1991. PubMed ID: 1702428). This variant has not been reported in a large population database (gnomAD), indicating this variant is rare. This variant is interpreted as likely pathogenic.

CeGaT Center for Human Genetics Tuebingen
Classification: Likely pathogenic. Last evaluated: 2023-09-01. Review status: criteria provided, single submitter. Criteria: CeGaT Center For Human Genetics Tuebingen Variant Classification Criteria Version 2. Collection method: clinical testing. Allele origin: germline. Affected: yes. Observed: 1 variant allele.
Comment: LPL: PM1, PM2, PM5, PP3

NM_000237.3(LPL):c.662T>A (p.Ile221Asn)

Gene: LPL (lipoprotein lipase; plus strand). Cytogenetic location: 8p21.3.
Variant type: single nucleotide variant.
Coding change: c.662T>A on transcript NM_000237.3 (MANE Select); coding-DNA position 662, T replaced by A.
Protein change: p.Ile221Asn; replaces isoleucine 221 with asparagine.
Molecular consequence: missense variant.
Genome position (GRCh38, 1-based): chr8:19,954,240, T>A. VCF-style: chr8-19954240-T-A. GRCh37 (hg19) VCF-style: chr8-19811751-T-A.
Other names: c.662T>A (NM_000237.2); short protein forms I221N.
Identifiers: ClinVar variation 2583060 (VCV002583060.26), dbSNP rs118204061, ClinGen allele CA370468501.